The following is an entry in ClinVar:

NM_015192.4(PLCB1):c.2807G>A (p.Arg936Lys)

Gene: PLCB1 (phospholipase C beta 1; plus strand). Cytogenetic location: 20p12.3.
Variant type: single nucleotide variant.
Coding change: c.2807G>A on transcript NM_015192.4 (MANE Select); coding-DNA position 2807, G replaced by A.
Protein change: p.Arg936Lys; replaces arginine 936 with lysine.
Molecular consequence: missense variant.
Genome position (GRCh38, 1-based): chr20:8,765,235, G>A. VCF-style: chr20-8765235-G-A. GRCh37 (hg19) VCF-style: chr20-8745882-G-A.
Other names: c.2807G>A, p.Arg936Lys (NM_182734.3); short protein forms R936K.
Identifiers: ClinVar variation 956921 (VCV000956921.8), dbSNP rs1982257294, ClinGen allele CA408208698.

ClinVar aggregate classification (germline): Uncertain significance (1 of 4 stars; one submission).

Conditions:
Developmental and epileptic encephalopathy, 12 (DEE12). Identifiers: MedGen C3150988, MONDO:0013389, OMIM 613722.

Allele frequency attached by ClinVar (database versions not stated): gnomAD exomes below 0.00001.
gnomAD v4.1: 3 of 1,613,878 alleles (0.00019%); highest among the groups gnomAD compares: African/African-American, 0.0027%; no homozygotes.

Submission:

Labcorp Genetics (formerly Invitae), Labcorp
Classification: Uncertain significance for Developmental and epileptic encephalopathy, 12. Last evaluated: 2019-10-20. Review status: criteria provided, single submitter. Criteria: Invitae Variant Classification Sherloc (09022015). Collection method: clinical testing. Allele origin: germline.
Comment: This sequence change replaces arginine with lysine at codon 936 of the PLCB1 protein (p.Arg936Lys). The arginine residue is moderately conserved and there is a small physicochemical difference between arginine and lysine. This variant is not present in population databases (ExAC no frequency). This variant has not been reported in the literature in individuals with PLCB1-related conditions. Algorithms developed to predict the effect of missense changes on protein structure and function (SIFT, PolyPhen-2, Align-GVGD) all suggest that this variant is likely to be tolerated, but these predictions have not been confirmed by published functional studies and their clinical significance is uncertain. In summary, the available evidence is currently insufficient to determine the role of this variant in disease. Therefore, it has been classified as a Variant of Uncertain Significance.